The following is an entry in ClinVar:

NM_007194.4(CHEK2):c.891T>C (p.Tyr297=)

Gene: CHEK2 (checkpoint kinase 2; minus strand). Cytogenetic location: 22q12.1.
Variant type: single nucleotide variant.
Coding change: c.891T>C on transcript NM_007194.4 (MANE Select); coding-DNA position 891, T replaced by C.
Protein change: p.Tyr297=; no amino-acid change (tyrosine 297 retained).
Molecular consequence: synonymous variant.
Genome position (GRCh38, 1-based): chr22:28,703,522, A>G on the plus strand (T>C on the coding strand, the complement: CHEK2 is on the minus strand). VCF-style: chr22-28703522-A-G. GRCh37 (hg19) VCF-style: chr22-29099510-A-G.
Other names: c.1020T>C, p.Tyr340= (NM_001005735.3); c.228T>C, p.Tyr76= (NM_001257387.3); c.690T>C, p.Tyr230= (NM_001349956.3); c.891T>C, p.Tyr297= (NM_145862.3).
Identifiers: ClinVar variation 2860075 (VCV002860075.4), dbSNP rs2517885679, ClinGen allele CA513945076.

ClinVar aggregate classification (germline): Benign/Likely benign. Review status: criteria provided, multiple submitters, no conflicts (2 of 4 stars). 2 submissions from 2 submitters: Benign (1); Likely benign (1). Last evaluated 2024-10-03.

Conditions:
Familial cancer of breast. Also called: Hereditary breast cancer; BREAST CANCER, FAMILIAL; hereditary breast carcinoma. Identifiers: Orphanet 227535, MedGen C0346153, MONDO:0016419, OMIM 114480. Disease mechanism: loss of function.

Submissions (2):

Myriad Genetics, Inc.
Classification: Benign for Familial cancer of breast. Last evaluated: 2024-10-03. Review status: criteria provided, single submitter. Criteria: Myriad Autosomal Dominant, Autosomal Recessive and X-Linked Classification Criteria (2023). Collection method: clinical testing. Allele origin: unknown.
Comment: This variant is considered benign. This variant is a silent/synonymous amino acid change and it is not expected to impact splicing.

Labcorp Genetics (formerly Invitae), Labcorp
Classification: Likely benign for Familial cancer of breast. Last evaluated: 2023-04-28. Review status: criteria provided, single submitter. Criteria: Invitae Variant Classification Sherloc (09022015). Collection method: clinical testing. Allele origin: germline.